The following is an entry in ClinVar:

NM_000368.5(TSC1):c.2674A>T (p.Arg892Ter)

Gene: TSC1 (TSC complex subunit 1; minus strand). Cytogenetic location: 9q34.13.
Variant type: single nucleotide variant.
Coding change: c.2674A>T on transcript NM_000368.5 (MANE Select); coding-DNA position 2674, A replaced by T.
Protein change: p.Arg892Ter; replaces arginine 892 with a stop codon.
Molecular consequence: nonsense.
Genome position (GRCh38, 1-based): chr9:132,897,562, T>A on the plus strand (A>T on the coding strand, the complement: TSC1 is on the minus strand). VCF-style: chr9-132897562-T-A. GRCh37 (hg19) VCF-style: chr9-135772949-T-A.
Other names: c.2671A>T, p.Arg891Ter (NM_001162426.2); c.2521A>T, p.Arg841Ter (NM_001162427.2); c.2311A>T, p.Arg771Ter (NM_001362177.2); short protein forms R841*, R771*, R891*, R892*.
Identifiers: ClinVar variation 1446635 (VCV001446635.6), dbSNP rs2131637455, ClinGen allele CA375369531.

ClinVar aggregate classification (germline): Pathogenic (1 of 4 stars; one submission).

Conditions:
Tuberous sclerosis 1 (TSC1). Identifiers: Orphanet 805, MedGen C1854465, MONDO:0008612, OMIM 191100.

Submission:

Labcorp Genetics (formerly Invitae), Labcorp
Classification: Pathogenic for Tuberous sclerosis 1. Last evaluated: 2021-05-21. Review status: criteria provided, single submitter. Criteria: Invitae Variant Classification Sherloc (09022015). Collection method: clinical testing. Allele origin: germline.
Comment: For these reasons, this variant has been classified as Pathogenic. This variant has not been reported in the literature in individuals with TSC1-related conditions. This variant is not present in population databases (ExAC no frequency). This sequence change creates a premature translational stop signal (p.Arg892*) in the TSC1 gene. It is expected to result in an absent or disrupted protein product. Loss-of-function variants in TSC1 are known to be pathogenic (PMID: 10227394, 17304050).

Literature cited by the submitters: PubMed 10227394; PubMed 17304050.